The following is an entry in ClinVar:

NM_001386393.1(PANK2):c.243del (p.Ser81fs)

Genes: PANK2 (pantothenate kinase 2; plus strand), LOC130065345 (ATAC-STARR-seq lymphoblastoid silent region 12635; plus strand). Cytogenetic location: 20p13.
Variant type: Deletion.
Coding change: c.243del on transcript NM_001386393.1 (MANE Select); coding-DNA position 243, one base deleted (C; older notation c.243delC).
Protein change: p.Ser81fs; shifts the reading frame from serine 81.
Molecular consequence: frameshift variant. On other transcripts: 5 prime UTR variant (1), non-coding transcript variant (1), intron variant (1).
Genome position (GRCh38, 1-based): chr20:3,889,673, C deleted. VCF-style (leftmost placement, unchanged base first): chr20-3889672-GC-G. GRCh37 (hg19) VCF-style: chr20-3870319-GC-G.
Other names: c.-469del (NM_001324191.2); c.573del, p.Ser191fs (NM_001324192.1, NM_153638.4); c.-246+769del (NM_024960.6); short protein forms S191fs, S81fs.
Identifiers: ClinVar variation 846245 (VCV000846245.13), dbSNP rs916725028, ClinGen allele CA311088956.

ClinVar aggregate classification (germline): Pathogenic. Review status: criteria provided, multiple submitters, no conflicts (2 of 4 stars). 5 submissions from 5 submitters: Pathogenic (5). Last evaluated 2025-03-17.

Conditions:
Pigmentary pallidal degeneration (NBIA1). Also called: HARP SYNDROME; Neurodegeneration with brain iron accumulation 1; PKAN NEUROAXONAL DYSTROPHY, JUVENILE-ONSET; Pantothenate Kinase-Associated Neurodegeneration; Neuroaxonal dystrophy, late infantile; Hallervorden-Spatz disease. Identifiers: Orphanet 157850, MedGen C0018523, MONDO:0009319, OMIM 234200.
PANK2-related disorder. Also called: PANK2-related condition.

Allele frequency attached by ClinVar (database versions not stated): gnomAD exomes 0.00001; TOPMed 0.00001.

Submissions (5):

Labcorp Genetics (formerly Invitae), Labcorp
Classification: Pathogenic for Pigmentary pallidal degeneration. Last evaluated: 2025-03-17. Review status: criteria provided, single submitter. Criteria: Invitae Variant Classification Sherloc (09022015). Collection method: clinical testing. Allele origin: germline.
Comment: This sequence change creates a premature translational stop signal (p.Ser191Argfs*14) in the PANK2 gene. It is expected to result in an absent or disrupted protein product. Loss-of-function variants in PANK2 are known to be pathogenic (PMID: 11479594, 12510040). This variant is present in population databases (no rsID available, gnomAD 0.003%). This premature translational stop signal has been observed in individuals with neurodegeneration with brain iron accumulation (PMID: 16437574). ClinVar contains an entry for this variant (Variation ID: 846245). For these reasons, this variant has been classified as Pathogenic.

GeneDx
Classification: Pathogenic. Last evaluated: 2024-11-18. Review status: criteria provided, single submitter. Criteria: GeneDx Variant Classification Process June 2021. Collection method: clinical testing. Allele origin: germline. Affected: yes.
Comment: Frameshift variant predicted to result in protein truncation or nonsense mediated decay in a gene for which loss of function is a known mechanism of disease; Not observed at significant frequency in large population cohorts (gnomAD); This variant is associated with the following publications: (PMID: 12510040, 16437574, 30363918, 31964843, 32705819)

Fulgent Genetics
Classification: Pathogenic for Pigmentary pallidal degeneration. Last evaluated: 2024-06-07. Review status: criteria provided, single submitter. Criteria: ACMG Guidelines, 2015. Collection method: clinical testing. Allele origin: germline.

Blueprint Genetics
Classification: Pathogenic for PANK2-related disorders. Last evaluated: 2023-12-22. Review status: criteria provided, single submitter. Criteria: ACMG Guidelines, 2015. Collection method: clinical testing. Allele origin: germline. Affected: yes. Observed: 5 variant alleles.

Institute of Medical Genetics and Applied Genomics, University Hospital Tübingen
Classification: Pathogenic. Last evaluated: 2020-10-23. Review status: criteria provided, single submitter. Criteria: ACMG Guidelines, 2015. Collection method: clinical testing. Allele origin: germline. Inheritance: Unknown mechanism. Affected: yes.

Literature cited by the submitters: PubMed 11479594 (cited by Labcorp Genetics (formerly Invitae), Labcorp); PubMed 12510040 (cited by Labcorp Genetics (formerly Invitae), Labcorp); PubMed 16437574 (cited by Labcorp Genetics (formerly Invitae), Labcorp).